The following is an entry in ClinVar:

NM_030962.4(SBF2):c.1725A>C (p.Ala575=)

Gene: SBF2 (SET binding factor 2; minus strand). Cytogenetic location: 11p15.4.
Variant type: single nucleotide variant.
Coding change: c.1725A>C on transcript NM_030962.4 (MANE Select); coding-DNA position 1725, A replaced by C.
Protein change: p.Ala575=; no amino-acid change (alanine 575 retained).
Molecular consequence: synonymous variant.
Genome position (GRCh38, 1-based): chr11:9,962,092, T>G on the plus strand (A>C on the coding strand, the complement: SBF2 is on the minus strand). VCF-style: chr11-9962092-T-G. GRCh37 (hg19) VCF-style: chr11-9983639-T-G.
Other names: c.1725A>C, p.Ala575= (NM_001386339.1); c.1596A>C, p.Ala532= (NM_001386342.1).
Identifiers: ClinVar variation 699911 (VCV000699911.12), dbSNP rs144514407, ClinGen allele CA5881758.

ClinVar aggregate classification (germline): Likely benign. Review status: criteria provided, multiple submitters, no conflicts (2 of 4 stars). 2 submissions from 2 submitters: Likely benign (2). Last evaluated 2026-04-28.

Conditions:
Charcot-Marie-Tooth disease type 4. Also called: Charcot-Marie-Tooth disease, type IV; Charcot-Marie-Tooth, Type 4. Identifiers: Orphanet 64749, MedGen C4082197, MONDO:0018995.
SBF2-related disorder. Also called: SBF2-related condition.

Allele frequency attached by ClinVar (database versions not stated): ESP Exome Variant Server 0.00008; gnomAD 0.00001 and 0.00002; gnomAD exomes 0.00003 and 0.00005; TOPMed 0.00003; ExAC 0.00006.
gnomAD v4.1: 45 of 1,613,958 alleles (0.0028%); highest among the groups gnomAD compares: Middle Eastern, 0.033%; no homozygotes.

Submissions (2):

PreventionGenetics, part of Exact Sciences
Classification: Likely benign for SBF2-related condition. Last evaluated: 2026-04-28. Review status: criteria provided, single submitter. Criteria: ACMG Guidelines, 2015. Collection method: clinical testing. Allele origin: germline.
Comment: This variant is classified as likely benign based on ACMG/AMP sequence variant interpretation guidelines (Richards et al. 2015 PMID: 25741868, with internal and published modifications).

Labcorp Genetics (formerly Invitae), Labcorp
Classification: Likely benign for Charcot-Marie-Tooth disease type 4. Last evaluated: 2025-08-15. Review status: criteria provided, single submitter. Criteria: Invitae Variant Classification Sherloc (09022015). Collection method: clinical testing. Allele origin: germline.